The following is an entry in ClinVar:

NM_000503.6(EYA1):c.1075_1076del (p.Gly359fs)

Gene: EYA1 (EYA transcriptional coactivator and phosphatase 1; minus strand). Cytogenetic location: 8q13.3.
Variant type: Deletion.
Coding change: c.1075_1076del on transcript NM_000503.6 (MANE Select); coding-DNA positions 1075 to 1076, 2 bases deleted (GG; older notation c.1075_1076delGG).
Protein change: p.Gly359fs; shifts the reading frame from glycine 359.
Molecular consequence: frameshift variant. On other transcripts: intron variant (2).
Genome position (GRCh38, 1-based): chr8:71,244,667-71,244,668, CC deleted on the plus strand (GG on the coding strand, the reverse complement: EYA1 is on the minus strand). VCF-style (leftmost placement, unchanged base first): chr8-71244666-TCC-T. GRCh37 (hg19) VCF-style: chr8-72156901-TCC-T.
Other names: c.1057_1058del, p.Gly353fs (NM_001288574.2); c.709_710del, p.Gly237fs (NM_001288575.2); c.1162_1163del, p.Gly388fs (NM_001370333.1); c.1075_1076del, p.Gly359fs (NM_001370334.1, NM_001370335.1, NM_172058.4); c.976_977del, p.Gly326fs (NM_001411797.1, NM_172060.4); c.1119+25072_1119+25073del (NM_001370336.1); c.1122+25072_1122+25073del (NM_172059.5); short protein forms G237fs, G326fs, G353fs, G359fs, G388fs.
Identifiers: ClinVar variation 3601089 (VCV003601089.1).
Genomic context (GRCh38, chr8:71,244,666, plus strand): 5'-TAAGTCATTAAAAAATAAATGTGTGTCTGCCAAGTTGAAAATCATTTCTTCCATTCGCAG[TCC>T]AAGGGAAACTGAAGTGGGTGGATCCTAAAATAAGAATATGACAGGTGAAGAACATGTATA-3'

ClinVar aggregate classification (germline): Likely pathogenic (1 of 4 stars; one submission).

Conditions:
Branchiootorenal syndrome 1. Also called: Branchio-Oto-Renal Syndrome 1. Identifiers: Orphanet 107, MedGen C4551702, MONDO:0007236, OMIM 113650.

Submission:

Institute of Rare Diseases, West China Hospital, Sichuan University
Classification: Likely pathogenic for Branchiootorenal syndrome 1. Last evaluated: 2025-01-09. Review status: criteria provided, single submitter. Criteria: ClinGen HL ACMG Specifications v1. Collection method: research. Allele origin: germline. Affected: yes.
Comment: PVS1;PM2_Supporting